The following is an entry in ClinVar:

NM_014112.5(TRPS1):c.2256G>T (p.Glu752Asp)

Gene: TRPS1 (transcriptional repressor GATA binding 1; minus strand). Cytogenetic location: 8q23.3.
Variant type: single nucleotide variant.
Coding change: c.2256G>T on transcript NM_014112.5 (MANE Select); coding-DNA position 2256, G replaced by T.
Protein change: p.Glu752Asp; replaces glutamic acid 752 with aspartic acid.
Molecular consequence: missense variant.
Genome position (GRCh38, 1-based): chr8:115,587,445, C>A on the plus strand (G>T on the coding strand, the complement: TRPS1 is on the minus strand). VCF-style: chr8-115587445-C-A. GRCh37 (hg19) VCF-style: chr8-116599672-C-A.
Other names: c.2229G>T, p.Glu743Asp (NM_001282902.3); c.2235G>T, p.Glu745Asp (NM_001282903.3); c.2217G>T, p.Glu739Asp (NM_001330599.2); short protein forms E739D, E743D, E745D, E752D.
Identifiers: ClinVar variation 3359403 (VCV003359403.1).
Genomic context (GRCh38, chr8:115,587,445, plus strand): 5'-TGGCTCTCCCATTTTAGAGTCTGGAGTTAGCAGATTGTAGACCCTGAAGTCAATTTTGGG[C>A]TCCTCTTTGATGGTGGATATGGCATGACCGTCCTCTTCGCCGTTGGCTGTAGTGATGTCC-3'
Protein context (NP_054831.2, residues 742-762): DGHAISTIKE[Glu752Asp]PKIDFRVYNL

ClinVar aggregate classification (germline): Uncertain significance (1 of 4 stars; one submission).

gnomAD v4.1: 5 of 1,614,188 alleles (0.00031%); highest among the groups gnomAD compares: Non-Finnish European, 0.00042%; no homozygotes.

Submission:

GeneDx
Classification: Uncertain significance. Last evaluated: 2023-06-01. Review status: criteria provided, single submitter. Criteria: GeneDx Variant Classification Process June 2021. Collection method: clinical testing. Allele origin: germline. Affected: yes.
Comment: Not observed at significant frequency in large population cohorts (gnomAD); In silico analysis supports that this missense variant does not alter protein structure/function; Has not been previously published as pathogenic or benign to our knowledge